The following is an entry in ClinVar:

NM_006231.4(POLE):c.1313A>T (p.Glu438Val)

Gene: POLE (DNA polymerase epsilon, catalytic subunit; minus strand). Cytogenetic location: 12q24.33.
Variant type: single nucleotide variant.
Coding change: c.1313A>T on transcript NM_006231.4 (MANE Select); coding-DNA position 1313, A replaced by T.
Protein change: p.Glu438Val; replaces glutamic acid 438 with valine.
Molecular consequence: missense variant.
Genome position (GRCh38, 1-based): chr12:132,673,621, T>A on the plus strand (A>T on the coding strand, the complement: POLE is on the minus strand). VCF-style: chr12-132673621-T-A. GRCh37 (hg19) VCF-style: chr12-133250207-T-A.
Other names: c.1313A>T (NM_006231.2); short protein forms E438V.
Identifiers: ClinVar variation 2682050 (VCV002682050.2), dbSNP rs2042981216, ClinGen allele CA387359329.
Genomic context (GRCh38, chr12:132,673,621, plus strand): 5'-TGTGGCTTACGTGCCTGGGGCTGCTCCGTGGCCATCCGGCACATGTCCTCCGGGTCTAGC[T>A]CCACGGGATCATAGCCTAGCTTGGCCTTGGCGGCCGCCTTGAGATTATGACTGCCCACAG-3'
Protein context (NP_006222.2, residues 428-448): AKAKLGYDPV[Glu438Val]LDPEDMCRMA

ClinVar aggregate classification (germline): Uncertain significance. Review status: criteria provided, multiple submitters, no conflicts (2 of 4 stars). 2 submissions from 2 submitters: Uncertain significance (2). Last evaluated 2026-02-19.

Conditions:
Hereditary cancer-predisposing syndrome. Also called: Tumor predisposition; Hereditary Cancer Syndrome; Hereditary neoplastic syndrome; Neoplastic Syndromes, Hereditary. Identifiers: Orphanet 140162, MedGen C0027672, MeSH D009386, MONDO:0015356.

Allele frequency attached by ClinVar (database versions not stated): TOPMed below 0.00001; gnomAD 0.00001.
gnomAD v4.1: 1 of 1,613,708 alleles (0.000062%); highest among the groups gnomAD compares: South Asian, 0.0011%; no homozygotes.

Submissions (2):

Ambry Genetics
Classification: Uncertain significance for Hereditary cancer-predisposing syndrome. Last evaluated: 2026-02-19. Review status: criteria provided, single submitter. Criteria: Ambry Variant Classification Scheme 2023. Collection method: clinical testing. Allele origin: germline.
Comment: The p.E438V variant (also known as c.1313A>T), located in coding exon 13 of the POLE gene, results from an A to T substitution at nucleotide position 1313. The glutamic acid at codon 438 is replaced by valine, an amino acid with dissimilar properties. This amino acid position is conserved. In addition, this alteration is predicted to be deleterious by in silico analysis. Based on the available evidence, the clinical significance of this variant remains unclear.

Quest Diagnostics Nichols Institute San Juan Capistrano
Classification: Uncertain significance. Last evaluated: 2022-11-15. Review status: criteria provided, single submitter. Criteria: Quest Diagnostics criteria. Collection method: clinical testing. Allele origin: unknown.
Comment: This variant has not been reported in the published literature. The frequency of this variant in the general population, 0.0000066 (1/152170 chromosomes), is uninformative in assessment of its pathogenicity. Analysis of this variant using bioinformatics tools for the prediction of the effect of amino acid changes on protein structure and function yielded predictions that this variant is damaging. Based on the available information, we are unable to determine the clinical significance of this variant.